The following is an entry in ClinVar:

ClinVar aggregate classification (germline): Uncertain significance (1 of 4 stars; one submission).

Conditions:
Dilated cardiomyopathy 1DD (CMD1DD). Identifiers: Orphanet 154, MedGen C2750995, MONDO:0013168, OMIM 613172.

gnomAD v4.1: 1 of 1,526,216 alleles (0.000066%); highest among the groups gnomAD compares: Non-Finnish European, 0.000088%; no homozygotes.

Submission:

Labcorp Genetics (formerly Invitae), Labcorp
Classification: Uncertain significance for Dilated cardiomyopathy 1DD. Last evaluated: 2024-03-07. Review status: criteria provided, single submitter. Criteria: Invitae Variant Classification Sherloc (09022015). Collection method: clinical testing. Allele origin: germline.
Comment: This sequence change replaces alanine, which is neutral and non-polar, with valine, which is neutral and non-polar, at codon 34 of the RBM20 protein (p.Ala34Val). This variant is not present in population databases (gnomAD no frequency). This variant has not been reported in the literature in individuals affected with RBM20-related conditions. Advanced modeling of protein sequence and biophysical properties (such as structural, functional, and spatial information, amino acid conservation, physicochemical variation, residue mobility, and thermodynamic stability) performed at Invitae indicates that this missense variant is not expected to disrupt RBM20 protein function with a negative predictive value of 95%. In summary, the available evidence is currently insufficient to determine the role of this variant in disease. Therefore, it has been classified as a Variant of Uncertain Significance.

NM_001134363.3(RBM20):c.101C>T (p.Ala34Val)

Gene: RBM20 (RNA binding motif protein 20; plus strand). Cytogenetic location: 10q25.2.
Variant type: single nucleotide variant.
Coding change: c.101C>T on transcript NM_001134363.3 (MANE Select); coding-DNA position 101, C replaced by T.
Protein change: p.Ala34Val; replaces alanine 34 with valine.
Molecular consequence: missense variant.
Genome position (GRCh38, 1-based): chr10:110,644,555, C>T. VCF-style: chr10-110644555-C-T. GRCh37 (hg19) VCF-style: chr10-112404313-C-T.
Other names: short protein forms A34V.
Identifiers: ClinVar variation 3626760 (VCV003626760.2).